The following is an entry in ClinVar:

NM_001079866.2(BCS1L):c.588_591dup (p.Ala198fs)

Gene: BCS1L (BCS1 ubiquinol-cytochrome c reductase complex chaperone; plus strand). Cytogenetic location: 2q35.
Variant type: Duplication.
Coding change: c.588_591dup on transcript NM_001079866.2 (MANE Select); coding-DNA positions 588 to 591, 4 bases duplicated (TCTG; older notation c.588_591dupTCTG).
Protein change: p.Ala198fs; shifts the reading frame from alanine 198.
Molecular consequence: frameshift variant. On other transcripts: non-coding transcript variant (1).
Genome position (GRCh38, 1-based): chr2:218,661,886-218,661,889, TCTG duplicated; duplicating any 4 consecutive bases within chr2:218,661,885-218,661,889 gives the same sequence; the c. name uses the placement nearest the transcript's 3' end. VCF-style (leftmost placement, unchanged base first): chr2-218661884-G-GGTCT. GRCh37 (hg19) VCF-style: chr2-219526607-G-GGTCT.
Other names: c.588_591dupTCTG (NM_004328.4); c.588_591dup, p.Ala198fs (NM_001257342.2, NM_001257343.2, NM_001257344.2 and 10 more transcripts); c.228_231dup, p.Ala78fs (NM_001318836.2, NM_001371451.1); c.87_90dup, p.Ala31fs (NM_001371452.1, NM_001371453.1, NM_001371454.1 and 3 more transcripts); short protein forms A78fs, A198fs, A31fs.
Identifiers: ClinVar variation 2078360 (VCV002078360.5), dbSNP rs2469880848, ClinGen allele CA2580065730.
Genomic context (GRCh38, chr2:218,661,884, plus strand): 5'-TGGCGTCCCTTTGGCTATCCACGCCGCCGGCGACCACTGAATTCTGTGGTTCTACAACAG[G>GGTCT]GTCTGGCTGACCGAATTGTCAGAGACGTCCAGGAATTCATCGATAACCCCAAGTGGTACA-3'

ClinVar aggregate classification (germline): Pathogenic/Likely pathogenic. Review status: criteria provided, multiple submitters, no conflicts (2 of 4 stars). 2 submissions from 2 submitters: Pathogenic (1); Likely pathogenic (1). Last evaluated 2025-06-12.

Conditions:
GRACILE syndrome (FLNMS). Also called: FELLMAN SYNDROME; FINNISH LETHAL NEONATAL METABOLIC SYNDROME. Identifiers: Orphanet 53693, MedGen C1864002, MONDO:0011308, OMIM 603358.

Submissions (2):

Labcorp Genetics (formerly Invitae), Labcorp
Classification: Pathogenic. Last evaluated: 2025-06-12. Review status: criteria provided, single submitter. Criteria: Invitae Variant Classification Sherloc (09022015). Collection method: clinical testing. Allele origin: germline.
Comment: This sequence change creates a premature translational stop signal (p.Ala198Serfs*3) in the BCS1L gene. It is expected to result in an absent or disrupted protein product. Loss-of-function variants in BCS1L are known to be pathogenic (PMID: 12215968, 17314340, 19162478, 19508421, 22277166, 25895478). This variant is not present in population databases (gnomAD no frequency). This variant has not been reported in the literature in individuals affected with BCS1L-related conditions. ClinVar contains an entry for this variant (Variation ID: 2078360). For these reasons, this variant has been classified as Pathogenic.

Natera, Inc.
Classification: Likely pathogenic for GRACILE syndrome. Last evaluated: 2024-12-17. Review status: criteria provided, single submitter. Criteria: Natera Variant Classification Schema (03/2026). Collection method: clinical testing. Allele origin: germline.
Comment: The c.588_591dupTCTG variant in BCS1L is a frameshift variant predicted to shift the reading frame beginning at codon 198 and leads to a stop codon 3 codons downstream. This variant is expected to result in nonsense mediated decay, truncation, or a dysfunctional protein product. This variant is rare in the general population with a frequency below the threshold expected for the associated phenotype(s). Given the available evidence, this variant is classified as Likely Pathogenic.

Literature cited by the submitters: PubMed 12215968 (cited by Labcorp Genetics (formerly Invitae), Labcorp); PubMed 17314340 (cited by Labcorp Genetics (formerly Invitae), Labcorp); PubMed 19162478 (cited by Labcorp Genetics (formerly Invitae), Labcorp); PubMed 19508421 (cited by Labcorp Genetics (formerly Invitae), Labcorp); PubMed 22277166 (cited by Labcorp Genetics (formerly Invitae), Labcorp); PubMed 25895478 (cited by Labcorp Genetics (formerly Invitae), Labcorp).